The following is an entry in ClinVar:

NM_006904.7(PRKDC):c.1588C>T (p.Leu530Phe)

Gene: PRKDC (protein kinase, DNA-activated, catalytic subunit; minus strand). Cytogenetic location: 8q11.21.
Variant type: single nucleotide variant.
Coding change: c.1588C>T on transcript NM_006904.7 (MANE Select); coding-DNA position 1588, C replaced by T.
Protein change: p.Leu530Phe; replaces leucine 530 with phenylalanine.
Molecular consequence: missense variant.
Genome position (GRCh38, 1-based): chr8:47,934,000, G>A on the plus strand (C>T on the coding strand, the complement: PRKDC is on the minus strand). VCF-style: chr8-47934000-G-A. GRCh37 (hg19) VCF-style: chr8-48846560-G-A.
Other names: c.1588C>T, p.Leu530Phe (NM_001081640.2); short protein forms L530F.
Identifiers: ClinVar variation 3225755 (VCV003225755.1), dbSNP rs2551879184, ClinGen allele CA371165323.

ClinVar aggregate classification (germline): Uncertain significance (1 of 4 stars; one submission).

Submission:

Ambry Genetics
Classification: Uncertain significance. Last evaluated: 2023-11-30. Review status: criteria provided, single submitter. Criteria: Ambry Variant Classification Scheme 2023. Collection method: clinical testing. Allele origin: germline.
Comment: The p.L530F variant (also known as c.1588C>T), located in coding exon 15 of the PRKDC gene, results from a C to T substitution at nucleotide position 1588. The leucine at codon 530 is replaced by phenylalanine, an amino acid with highly similar properties. This amino acid position is conserved. In addition, the in silico prediction for this alteration is inconclusive. Since supporting evidence is limited at this time, the clinical significance of this alteration remains unclear.